The following is an entry in ClinVar:

NM_001394062.1(MACF1):c.20034A>T (p.Glu6678Asp)

Gene: MACF1 (microtubule actin crosslinking factor 1; plus strand). Cytogenetic location: 1p34.3.
Variant type: single nucleotide variant.
Coding change: c.20034A>T on transcript NM_001394062.1 (MANE Select); coding-DNA position 20034, A replaced by T.
Protein change: p.Glu6678Asp; replaces glutamic acid 6678 with aspartic acid.
Molecular consequence: missense variant.
Genome position (GRCh38, 1-based): chr1:39,448,098, A>T. VCF-style: chr1-39448098-A-T. GRCh37 (hg19) VCF-style: chr1-39913770-A-T.
Other names: c.8112A>T, p.Glu2704Asp (NM_001397473.1); c.13857A>T, p.Glu4619Asp (NM_012090.5); c.13857A>T (NM_012090.4); short protein forms E2704D, E4619D, E6678D.
Identifiers: ClinVar variation 2630209 (VCV002630209.2), dbSNP rs2523223594, ClinGen allele CA339820566.

ClinVar aggregate classification (germline): Uncertain significance. Review status: criteria provided, multiple submitters, no conflicts (2 of 4 stars). 2 submissions from 2 submitters: Uncertain significance (2). Last evaluated 2024-07-02.

Conditions:
Inborn genetic diseases. Identifiers: MedGen C0950123, MeSH D030342.
MACF1-related disorder. Also called: MACF1-related condition.

Submissions (2):

Ambry Genetics
Classification: Uncertain significance for Inborn genetic diseases. Last evaluated: 2024-07-02. Review status: criteria provided, single submitter. Criteria: Ambry Variant Classification Scheme 2023. Collection method: clinical testing. Allele origin: germline.

PreventionGenetics, part of Exact Sciences
Classification: Uncertain significance for MACF1-related condition. Last evaluated: 2023-02-17. Review status: criteria provided, single submitter. Criteria: ACMG Guidelines, 2015. Collection method: clinical testing. Allele origin: germline.
Comment: The MACF1 c.13857A>T variant is predicted to result in the amino acid substitution p.Glu4619Asp. To our knowledge, this variant has not been reported in the literature or in a large population database, indicating this variant is rare. At this time, the clinical significance of this variant is uncertain due to the absence of conclusive functional and genetic evidence.